The following is an entry in ClinVar:

ClinVar aggregate classification (germline): Uncertain significance (1 of 4 stars; one submission).

Conditions:
Progressive myoclonic epilepsy. Also called: Myoclonic Epilepsies, Progressive; Myoclonus epilepsy; Familial progressive myoclonic epilepsy; Progressive myoclonus epilepsy. Identifiers: Orphanet 308, Orphanet 98261, MedGen C0751778, MONDO:0020074.

Submission:

Labcorp Genetics (formerly Invitae), Labcorp
Classification: Uncertain significance for Progressive myoclonic epilepsy. Last evaluated: 2024-02-24. Review status: criteria provided, single submitter. Criteria: Invitae Variant Classification Sherloc (09022015). Collection method: clinical testing. Allele origin: germline.
Comment: This sequence change replaces methionine, which is neutral and non-polar, with arginine, which is basic and polar, at codon 204 of the GOSR2 protein (p.Met204Arg). This variant is not present in population databases (gnomAD no frequency). This variant has not been reported in the literature in individuals affected with GOSR2-related conditions. ClinVar contains an entry for this variant (Variation ID: 1405371). An algorithm developed to predict the effect of missense changes on protein structure and function (PolyPhen-2) suggests that this variant is likely to be tolerated. In summary, the available evidence is currently insufficient to determine the role of this variant in disease. Therefore, it has been classified as a Variant of Uncertain Significance.

NM_004287.5(GOSR2):c.611T>G (p.Met204Arg)

Genes: GOSR2 (golgi SNAP receptor complex member 2; plus strand), LRRC37A2 (leucine rich repeat containing 37 member A2). Cytogenetic location: 17q21.32.
Variant type: single nucleotide variant.
Coding change: c.611T>G on transcript NM_004287.5 (MANE Select); coding-DNA position 611, T replaced by G.
Protein change: p.Met204Arg; replaces methionine 204 with arginine.
Molecular consequence: missense variant. On other transcripts: intron variant (3).
Genome position (GRCh38, 1-based): chr17:46,938,732, T>G. VCF-style: chr17-46938732-T-G. GRCh37 (hg19) VCF-style: chr17-45016098-T-G.
Other names: c.416T>G, p.Met139Arg (NM_001321134.2); c.470T>G, p.Met157Arg (NM_001330252.2); c.608T>G, p.Met203Arg (NM_001353114.2); c.467T>G, p.Met156Arg (NM_001353115.2); c.557T>G, p.Met186Arg (NM_001363851.2); c.583+28T>G (NM_001321133.2, NM_054022.4); c.439+28T>G (NM_001353116.2); short protein forms M186R, M156R, M203R, M204R, M139R, M157R.
Identifiers: ClinVar variation 1405371 (VCV001405371.6), dbSNP rs2147051685, ClinGen allele CA400019195.